The following is an entry in ClinVar:

NM_001394372.1(BICRA):c.4092C>A (p.Asp1364Glu)

Gene: BICRA (BRD4 interacting chromatin remodeling complex associated protein; plus strand). Cytogenetic location: 19q13.33.
Variant type: single nucleotide variant.
Coding change: c.4092C>A on transcript NM_001394372.1 (MANE Select); coding-DNA position 4092, C replaced by A.
Protein change: p.Asp1364Glu; replaces aspartic acid 1364 with glutamic acid.
Molecular consequence: missense variant.
Genome position (GRCh38, 1-based): chr19:47,701,824, C>A. VCF-style: chr19-47701824-C-A. GRCh37 (hg19) VCF-style: chr19-48205081-C-A.
Other names: c.4092C>A, p.Asp1364Glu (NM_015711.3); short protein forms D1364E.
Identifiers: ClinVar variation 5040244 (VCV005040244.1).

ClinVar aggregate classification (germline): Uncertain significance (1 of 4 stars; one submission).

Submission:

CeGaT Center for Human Genetics Tuebingen
Classification: Uncertain significance. Last evaluated: 2026-07-01. Review status: criteria provided, single submitter. Criteria: CeGaT Center For Human Genetics Tuebingen Variant Classification Criteria Version 2. Collection method: clinical testing. Allele origin: germline. Affected: yes. Observed: 1 variant allele.
Comment: BICRA: PM2